The following is an entry in ClinVar:

NM_004484.4(GPC3):c.1367del (p.Glu456fs)

Gene: GPC3 (glypican 3; minus strand). Cytogenetic location: Xq26.2.
Variant type: Deletion.
Coding change: c.1367del on transcript NM_004484.4 (MANE Select); coding-DNA position 1367, one base deleted (A; older notation c.1367delA).
Protein change: p.Glu456fs; shifts the reading frame from glutamic acid 456.
Molecular consequence: frameshift variant.
Genome position (GRCh38, 1-based): chrX:133,661,776, T deleted on the plus strand (A on the coding strand, the reverse complement: GPC3 is on the minus strand). VCF-style (leftmost placement, unchanged base first): chrX-133661775-CT-C. GRCh37 (hg19) VCF-style: chrX-132795803-CT-C.
Other names: c.1436del, p.Glu479fs (NM_001164617.2); c.1319del, p.Glu440fs (NM_001164618.2); c.1205del, p.Glu402fs (NM_001164619.2); short protein forms E402fs, E440fs, E456fs, E479fs.
Identifiers: ClinVar variation 4686028 (VCV004686028.1).

ClinVar aggregate classification (germline): Likely pathogenic (1 of 4 stars; one submission).

Submission:

ARUP Laboratories, Molecular Genetics and Genomics, ARUP Laboratories
Classification: Likely pathogenic. Review status: criteria provided, single submitter. Criteria: ARUP Molecular Germline Variant Investigation Process 2024. Collection method: clinical testing. Allele origin: germline.
Comment: The GPC3 c.1367del; p.Glu456GlyfsTer11 variant is not reported in the medical literature. This variant is absent from the Genome Aggregation Database (v2.1.1), indicating it is not a common polymorphism. This variant causes a frameshift by deleting a single nucleotide, so it is predicted to result in a truncated protein or mRNA subject to nonsense-mediated decay. Based on available information, this variant is considered to be likely pathogenic.